The following is an entry in ClinVar:

NC_000001.10:g.85569702_85585573del

Gene: DNAI3 (dynein axonemal intermediate chain 3; plus strand). Cytogenetic location: 1p22.3.
Variant type: Deletion.
Identifiers: ClinVar variation 428608 (VCV000428608.4).

ClinVar aggregate classification (germline): Likely pathogenic (0 of 4 stars; one submission).

Conditions:
Occipital encephalocele. Identifiers: Orphanet 268823, MedGen C0014067, MONDO:0017080, HP:0002085.

Submission:

Rare Disease Group, Clinical Genetics, Karolinska Institutet
Classification: Likely pathogenic for occipital encephalocele. Review status: no assertion criteria provided. Collection method: clinical testing. Allele origin: unknown. Affected: yes. Observed: 1 variant allele, 1 heterozygote.
Comment: Targeted CNV screening highlighted an intragenic deletion of WDR63 as a potential dominant negative variant in human encephalocele and neural tube development in zebrafish. Whole genome sequencing was used to establish the exact coordinates of the deletion and to exclude pathogenic variants in all known encephalocele and ciliopathy genes.

Literature cited by the submitters: PubMed 29285825.